The following is an entry in ClinVar:

ClinVar aggregate classification (germline): Uncertain significance (1 of 4 stars; one submission).

Conditions:
Carney-Stratakis syndrome. Also called: PARAGANGLIOMA AND GASTROINTESTINAL STROMAL TUMOR. Identifiers: Orphanet 97286, MedGen C1847319, MONDO:0011740, OMIM 606864.
Cowden syndrome 3 (CWS3). Identifiers: Orphanet 201, MedGen CN166604, MONDO:0014045.
Pheochromocytoma. Also called: MAX-Related Hereditary Paraganglioma-Pheochromocytoma Syndrome. Identifiers: Orphanet 29072, MedGen C0031511, MONDO:0008233, OMIM 171300, HP:0002666.
Paragangliomas with sensorineural hearing loss. Identifiers: MedGen C1868633.

Submission:

Labcorp Genetics (formerly Invitae), Labcorp
Classification: Uncertain significance for Carney-Stratakis syndrome; Paragangliomas with sensorineural hearing loss; Pheochromocytoma; Cowden syndrome 3. Last evaluated: 2023-12-06. Review status: criteria provided, single submitter. Criteria: Invitae Variant Classification Sherloc (09022015). Collection method: clinical testing. Allele origin: germline.
Comment: This sequence change replaces glycine, which is neutral and non-polar, with valine, which is neutral and non-polar, at codon 108 of the SDHD protein (p.Gly108Val). Information on the frequency of this variant in the gnomAD database is not available, as this variant may be reported differently in the database. This variant has not been reported in the literature in individuals affected with SDHD-related conditions. An algorithm developed to predict the effect of missense changes on protein structure and function (PolyPhen-2) suggests that this variant is likely to be disruptive. In summary, the available evidence is currently insufficient to determine the role of this variant in disease. Therefore, it has been classified as a Variant of Uncertain Significance.

NM_003002.4(SDHD):c.323_324delinsTT (p.Gly108Val)

Gene: SDHD (succinate dehydrogenase complex subunit D; plus strand). Cytogenetic location: 11q23.1.
Variant type: Indel.
Coding change: c.323_324delinsTT on transcript NM_003002.4 (MANE Select); coding-DNA positions 323 to 324, GA replaced by TT.
Protein change: p.Gly108Val; replaces glycine 108 with valine.
Molecular consequence: missense variant. On other transcripts: 3 prime UTR variant (1), non-coding transcript variant (1).
Genome position (GRCh38, 1-based): chr11:112,094,813-112,094,814, GA replaced by TT. VCF-style: chr11-112094813-GA-TT. GRCh37 (hg19) VCF-style: chr11-111965537-GA-TT.
Other names: c.178_179delinsTT, p.Asp60Phe (NM_001276503.2); c.206_207delinsTT, p.Gly69Val (NM_001276504.2); c.*21_*22delinsTT (NM_001276506.2); short protein forms D60F, G108V, G69V.
Identifiers: ClinVar variation 2949290 (VCV002949290.3), dbSNP rs2498917160, ClinGen allele CA2740090850.